The following is an entry in ClinVar:

NM_000834.5(GRIN2B):c.422C>A (p.Ser141Tyr)

Gene: GRIN2B (glutamate ionotropic receptor NMDA type subunit 2B; minus strand). Cytogenetic location: 12p13.1.
Variant type: single nucleotide variant.
Coding change: c.422C>A on transcript NM_000834.5 (MANE Select); coding-DNA position 422, C replaced by A.
Protein change: p.Ser141Tyr; replaces serine 141 with tyrosine.
Molecular consequence: missense variant.
Genome position (GRCh38, 1-based): chr12:13,753,905, G>T on the plus strand (C>A on the coding strand, the complement: GRIN2B is on the minus strand). VCF-style: chr12-13753905-G-T. GRCh37 (hg19) VCF-style: chr12-13906839-G-T.
Other names: c.422C>A, p.Ser141Tyr (NM_001413992.1, NM_001413993.1, NM_001413994.1 and 1 more transcripts); short protein forms S141Y.
Identifiers: ClinVar variation 4783405 (VCV004783405.1).

ClinVar aggregate classification (germline): Uncertain significance (1 of 4 stars; one submission).

Conditions:
Developmental and epileptic encephalopathy, 27 (DEE27). Also called: Epileptic encephalopathy, early infantile, 27; GRIN2B-Related Neurodevelopmental Disorder. Identifiers: Orphanet 3451, MedGen C4015316, MONDO:0014505, OMIM 616139.
Intellectual developmental disorder, autosomal dominant 6, with or without seizures. Also called: Intellectual disability, autosomal dominant 6; GRIN2B-related developmental delay, intellectual disability and autism spectrum disorder. Identifiers: Orphanet 589547, MedGen C3151411, MONDO:0013509, OMIM 613970.

Submission:

Labcorp Genetics (formerly Invitae), Labcorp
Classification: Uncertain significance for Developmental and epileptic encephalopathy, 27; Intellectual developmental disorder, autosomal dominant 6, with or without seizures. Last evaluated: 2025-06-29. Review status: criteria provided, single submitter. Criteria: Invitae Variant Classification Sherloc (09022015). Collection method: clinical testing. Allele origin: germline.
Comment: This sequence change replaces serine, which is neutral and polar, with tyrosine, which is neutral and polar, at codon 141 of the GRIN2B protein (p.Ser141Tyr). This variant is not present in population databases (gnomAD no frequency). This variant has not been reported in the literature in individuals affected with GRIN2B-related conditions. Invitae Evidence Modeling of protein sequence and biophysical properties (such as structural, functional, and spatial information, amino acid conservation, physicochemical variation, residue mobility, and thermodynamic stability) indicates that this missense variant is expected to disrupt GRIN2B protein function with a positive predictive value of 95%. In summary, the available evidence is currently insufficient to determine the role of this variant in disease. Therefore, it has been classified as a Variant of Uncertain Significance.